The following is an entry in ClinVar:

NM_020937.4(FANCM):c.3875G>A (p.Gly1292Glu)

Gene: FANCM (FA complementation group M; plus strand). Cytogenetic location: 14q21.2.
Variant type: single nucleotide variant.
Coding change: c.3875G>A on transcript NM_020937.4 (MANE Select); coding-DNA position 3875, G replaced by A.
Protein change: p.Gly1292Glu; replaces glycine 1292 with glutamic acid.
Molecular consequence: missense variant.
Genome position (GRCh38, 1-based): chr14:45,176,629, G>A. VCF-style: chr14-45176629-G-A. GRCh37 (hg19) VCF-style: chr14-45645832-G-A.
Other names: c.3797G>A, p.Gly1266Glu (NM_001308133.2); short protein forms G1266E, G1292E.
Identifiers: ClinVar variation 2779594 (VCV002779594.4), dbSNP rs771550221, ClinGen allele CA7169588.

ClinVar aggregate classification (germline): Uncertain significance. Review status: criteria provided, multiple submitters, no conflicts (2 of 4 stars). 2 submissions from 2 submitters: Uncertain significance (2). Last evaluated 2023-12-20.

Conditions:
Fanconi anemia (FA). Also called: Fanconi's anemia. Identifiers: Orphanet 84, MedGen C0015625, MeSH D005199, MONDO:0019391.

Allele frequency attached by ClinVar (database versions not stated): gnomAD exomes below 0.00001; ExAC 0.00001.
gnomAD v4.1: 1 of 1,612,230 alleles (0.000062%); highest among the groups gnomAD compares: African/African-American, 0.0013%; no homozygotes.

Submissions (2):

GeneDx
Classification: Uncertain significance. Last evaluated: 2023-12-20. Review status: criteria provided, single submitter. Criteria: GeneDx Variant Classification Process June 2021. Collection method: clinical testing. Allele origin: germline. Affected: yes.
Comment: Not observed at significant frequency in large population cohorts (gnomAD); In silico analysis supports that this missense variant does not alter protein structure/function; Has not been previously published as pathogenic or benign to our knowledge

Labcorp Genetics (formerly Invitae), Labcorp
Classification: Uncertain significance for Fanconi anemia. Last evaluated: 2023-10-27. Review status: criteria provided, single submitter. Criteria: Invitae Variant Classification Sherloc (09022015). Collection method: clinical testing. Allele origin: germline.
Comment: This sequence change replaces glycine, which is neutral and non-polar, with glutamic acid, which is acidic and polar, at codon 1292 of the FANCM protein (p.Gly1292Glu). This variant is present in population databases (rs771550221, gnomAD 0.003%). This variant has not been reported in the literature in individuals affected with FANCM-related conditions. Algorithms developed to predict the effect of missense changes on protein structure and function output the following: SIFT: "Not Available"; PolyPhen-2: "Benign"; Align-GVGD: "Not Available". The glutamic acid amino acid residue is found in multiple mammalian species, which suggests that this missense change does not adversely affect protein function. In summary, the available evidence is currently insufficient to determine the role of this variant in disease. Therefore, it has been classified as a Variant of Uncertain Significance.